The following is an entry in ClinVar:

NM_080680.3(COL11A2):c.4784C>G (p.Ala1595Gly)

Gene: COL11A2 (collagen type XI alpha 2 chain; minus strand). Cytogenetic location: 6p21.32.
Variant type: single nucleotide variant.
Coding change: c.4784C>G on transcript NM_080680.3 (MANE Select); coding-DNA position 4784, C replaced by G.
Protein change: p.Ala1595Gly; replaces alanine 1595 with glycine.
Molecular consequence: missense variant.
Genome position (GRCh38, 1-based): chr6:33,164,931, G>C on the plus strand (C>G on the coding strand, the complement: COL11A2 is on the minus strand). VCF-style: chr6-33164931-G-C. GRCh37 (hg19) VCF-style: chr6-33132708-G-C.
Other names: c.4604C>G, p.Ala1535Gly (NM_001424108.1); c.3938C>G, p.Ala1313Gly (NM_001424109.1); c.3758C>G, p.Ala1253Gly (NM_001424110.1, NM_001424111.1); c.2738C>G, p.Ala913Gly (NM_001424112.1); c.4463C>G, p.Ala1488Gly (NM_080679.3); c.4526C>G, p.Ala1509Gly (NM_080681.3); short protein forms A1313G, A1595G, A913G, A1488G, A1253G, A1535G, A1509G.
Identifiers: ClinVar variation 4766088 (VCV004766088.1).

ClinVar aggregate classification (germline): Uncertain significance (1 of 4 stars; one submission).

Submission:

Labcorp Genetics (formerly Invitae), Labcorp
Classification: Uncertain significance. Last evaluated: 2025-11-27. Review status: criteria provided, single submitter. Criteria: Invitae Variant Classification Sherloc (09022015). Collection method: clinical testing. Allele origin: germline.
Comment: This sequence change replaces alanine, which is neutral and non-polar, with glycine, which is neutral and non-polar, at codon 1595 of the COL11A2 protein (p.Ala1595Gly). This variant is not present in population databases (gnomAD no frequency). This variant has not been reported in the literature in individuals affected with COL11A2-related conditions. Invitae Evidence Modeling of protein sequence and biophysical properties (such as structural, functional, and spatial information, amino acid conservation, physicochemical variation, residue mobility, and thermodynamic stability) indicates that this missense variant is not expected to disrupt COL11A2 protein function with a negative predictive value of 95%. In summary, the available evidence is currently insufficient to determine the role of this variant in disease. Therefore, it has been classified as a Variant of Uncertain Significance.